The following is an entry in ClinVar:

ClinVar aggregate classification (germline): Likely pathogenic. Review status: criteria provided, multiple submitters, no conflicts (2 of 4 stars). 2 submissions from 2 submitters: Likely pathogenic (2). Last evaluated 2024-11-27.

Conditions:
Hereditary cancer-predisposing syndrome. Also called: Hereditary neoplastic syndrome; Tumor predisposition; Neoplastic Syndromes, Hereditary; Hereditary Cancer Syndrome. Identifiers: Orphanet 140162, MedGen C0027672, MeSH D009386, MONDO:0015356.
Cardiovascular phenotype. Identifiers: MedGen CN230736.
Neurofibromatosis, type 1 (NF1). Also called: Neurofibromatosis, type I; NEUROFIBROMATOSIS, TYPE I, SOMATIC; Peripheral type neurofibromatosis; VON RECKLINGHAUSEN DISEASE. Identifiers: Orphanet 636, MedGen C0027831, MONDO:0018975, OMIM 162200. Disease mechanism: loss of function.

Submissions (2):

Ambry Genetics
Classification: Likely pathogenic for Cardiovascular phenotype; Hereditary cancer-predisposing syndrome. Last evaluated: 2024-11-27. Review status: criteria provided, single submitter. Criteria: Ambry Variant Classification Scheme 2023. Collection method: clinical testing. Allele origin: germline.
Comment: The p.D1623Y variant (also known as c.4867G>T), located in coding exon 36 of the NF1 gene, results from a G to T substitution at nucleotide position 4867. The aspartic acid at codon 1623 is replaced by tyrosine, an amino acid with highly dissimilar properties. This variant has been reported in multiple patients with a clinical diagnosis or symptoms of NF1 (van Minkelen R et al. Clin. Genet., 2014 Apr;85:318-27; Ambry internal data). Different amino acid substitutions at the same position have also been identified in NF1 patients in other studies (Sabbagh A et al. Hum. Mutat., 2013 Nov;34:1510-8; Bianchessi D et al. Mol Genet Genomic Med, 2015 Nov;3:513-25). This amino acid position is highly conserved in available vertebrate species. In addition, this alteration is predicted to be deleterious by in silico analysis. Based on the majority of available evidence to date, this variant is likely to be pathogenic.

Labcorp Genetics (formerly Invitae), Labcorp
Classification: Likely pathogenic for Neurofibromatosis, type 1. Last evaluated: 2022-04-15. Review status: criteria provided, single submitter. Criteria: Invitae Variant Classification Sherloc (09022015). Collection method: clinical testing. Allele origin: germline.
Comment: In summary, the currently available evidence indicates that the variant is pathogenic, but additional data are needed to prove that conclusively. Therefore, this variant has been classified as Likely Pathogenic. This variant disrupts the p.Asp1623 amino acid residue in NF1. Other variant(s) that disrupt this residue have been determined to be pathogenic (PMID: 23913538; Invitae). This suggests that this residue is clinically significant, and that variants that disrupt this residue are likely to be disease-causing. Advanced modeling of protein sequence and biophysical properties (such as structural, functional, and spatial information, amino acid conservation, physicochemical variation, residue mobility, and thermodynamic stability) performed at Invitae indicates that this missense variant is expected to disrupt NF1 protein function. ClinVar contains an entry for this variant (Variation ID: 429003). This variant has not been reported in the literature in individuals affected with NF1-related conditions. This variant is not present in population databases (gnomAD no frequency). This sequence change replaces aspartic acid, which is acidic and polar, with tyrosine, which is neutral and polar, at codon 1623 of the NF1 protein (p.Asp1623Tyr).

Literature cited by the submitters: PubMed 23656349 (cited by Ambry Genetics); PubMed 23913538 (cited by Ambry Genetics and Labcorp Genetics (formerly Invitae), Labcorp); PubMed 26740943 (cited by Ambry Genetics).

NM_001042492.3(NF1):c.4930G>T (p.Asp1644Tyr)

Gene: NF1 (neurofibromin 1; plus strand). Cytogenetic location: 17q11.2.
Variant type: single nucleotide variant.
Coding change: c.4930G>T on transcript NM_001042492.3 (MANE Select); coding-DNA position 4930, G replaced by T.
Protein change: p.Asp1644Tyr; replaces aspartic acid 1644 with tyrosine.
Molecular consequence: missense variant.
Genome position (GRCh38, 1-based): chr17:31,325,914, G>T. VCF-style: chr17-31325914-G-T. GRCh37 (hg19) VCF-style: chr17-29652932-G-T.
Other names: c.4867G>T, p.Asp1623Tyr (NM_000267.4); short protein forms D1623Y, D1644Y.
Identifiers: ClinVar variation 429003 (VCV000429003.11), dbSNP rs1131691123, ClinGen allele CA399007133.